The following is an entry in ClinVar:

NM_198253.3(TERT):c.171C>T (p.Cys57=)

Genes: TERT (telomerase reverse transcriptase; minus strand), LOC110806263 (TERT 5' regulatory region; plus strand). Cytogenetic location: 5p15.33.
Variant type: single nucleotide variant.
Coding change: c.171C>T on transcript NM_198253.3 (MANE Select); coding-DNA position 171, C replaced by T.
Protein change: p.Cys57=; no amino-acid change (cysteine 57 retained).
Molecular consequence: synonymous variant. On other transcripts: non-coding transcript variant (2).
Genome position (GRCh38, 1-based): chr5:1,294,819, G>A on the plus strand (C>T on the coding strand, the complement: TERT is on the minus strand). VCF-style: chr5-1294819-G-A. GRCh37 (hg19) VCF-style: chr5-1294934-G-A.
Other names: c.171C>T, p.Cys57= (NM_001193376.3); c.171C>T (NM_198253.2).
Identifiers: ClinVar variation 1156551 (VCV001156551.10), dbSNP rs1189644919, ClinGen allele CA443005676.

ClinVar aggregate classification (germline): Conflicting classifications of pathogenicity. Review status: criteria provided, conflicting classifications (1 of 4 stars). 2 submissions from 2 submitters: Uncertain significance (1); Likely benign (1). Last evaluated 2025-12-09.

Conditions:
Idiopathic Pulmonary Fibrosis. Also called: Idiopathic fibrosing alveolitis, chronic form; idiopathic fibrosing alveolitis. Identifiers: Orphanet 2032, MedGen C1800706, MeSH D054990, MONDO:0800504.
Dyskeratosis congenita, autosomal dominant 2. Identifiers: MedGen C3151443, MONDO:0013521, OMIM 613989.
Dyskeratosis congenita. Identifiers: Orphanet 1775, MedGen C0265965, MONDO:0015780.

Allele frequency attached by ClinVar (database versions not stated): gnomAD 0.00001; TOPMed 0.00001; gnomAD exomes 0.00003.
gnomAD v4.1: 36 of 1,499,246 alleles (0.0024%); highest among the groups gnomAD compares: Non-Finnish European, 0.003%; no homozygotes.

Submissions (2):

Ambry Genetics
Classification: Uncertain significance for Dyskeratosis congenita. Last evaluated: 2025-12-09. Review status: criteria provided, single submitter. Criteria: Ambry Variant Classification Scheme 2023. Collection method: clinical testing. Allele origin: germline.
Comment: The c.171C>T variant (also known as p.C57C), located in coding exon 1 of the TERT gene, results from a C to T substitution at nucleotide position 171. This nucleotide substitution does not change the amino acid at codon 57. This nucleotide position is not well conserved in available vertebrate species. In silico splice site analysis predicts that this alteration may result in the creation or strengthening of a novel splice donor site. Based on the available evidence, the clinical significance of this variant remains unclear.

Labcorp Genetics (formerly Invitae), Labcorp
Classification: Likely benign for Dyskeratosis congenita, autosomal dominant 2; Idiopathic Pulmonary Fibrosis. Last evaluated: 2024-09-23. Review status: criteria provided, single submitter. Criteria: Invitae Variant Classification Sherloc (09022015). Collection method: clinical testing. Allele origin: germline.